The following is an entry in ClinVar:

ClinVar aggregate classification (germline): Uncertain significance (1 of 4 stars; one submission).

Submission:

Labcorp Genetics (formerly Invitae), Labcorp
Classification: Uncertain significance. Last evaluated: 2021-03-06. Review status: criteria provided, single submitter. Criteria: Invitae Variant Classification Sherloc (09022015). Collection method: clinical testing. Allele origin: germline.
Comment: In summary, the available evidence is currently insufficient to determine the role of this variant in disease. Therefore, it has been classified as a Variant of Uncertain Significance. This sequence change replaces isoleucine with valine at codon 629 of the CDHR1 protein (p.Ile629Val). The isoleucine residue is highly conserved and there is a small physicochemical difference between isoleucine and valine. This variant is not present in population databases (ExAC no frequency). This variant has not been reported in the literature in individuals with CDHR1-related conditions. Advanced modeling of protein sequence and biophysical properties (such as structural, functional, and spatial information, amino acid conservation, physicochemical variation, residue mobility, and thermodynamic stability) performed at Invitae indicates that this missense variant is not expected to disrupt CDHR1 protein function. Algorithms developed to predict the effect of sequence changes on RNA splicing suggest that this variant may create or strengthen a splice site, but this prediction has not been confirmed by published transcriptional studies.

NM_033100.4(CDHR1):c.1885A>G (p.Ile629Val)

Gene: CDHR1 (cadherin related family member 1; plus strand). Cytogenetic location: 10q23.1.
Variant type: single nucleotide variant.
Coding change: c.1885A>G on transcript NM_033100.4 (MANE Select); coding-DNA position 1885, A replaced by G.
Protein change: p.Ile629Val; replaces isoleucine 629 with valine.
Molecular consequence: missense variant.
Genome position (GRCh38, 1-based): chr10:84,213,193, A>G. VCF-style: chr10-84213193-A-G. GRCh37 (hg19) VCF-style: chr10-85972949-A-G.
Other names: c.1885A>G, p.Ile629Val (NM_001171971.3); short protein forms I629V.
Identifiers: ClinVar variation 1063294 (VCV001063294.9), dbSNP rs2132834082, ClinGen allele CA377378462.